The following is an entry in ClinVar:

ClinVar aggregate classification (germline): Uncertain significance (1 of 4 stars; one submission).

Submission:

GeneDx
Classification: Uncertain significance. Last evaluated: 2024-02-28. Review status: criteria provided, single submitter. Criteria: GeneDx Variant Classification Process June 2021. Collection method: clinical testing. Allele origin: germline. Affected: yes.
Comment: In-frame insertion of 1 amino acid in a non-repeat region; Has not been previously published as pathogenic or benign to our knowledge

NM_001127222.2(CACNA1A):c.6627_6629dup (p.Gln2209_His2210insGln)

Gene: CACNA1A (calcium voltage-gated channel subunit alpha1 A; minus strand). Cytogenetic location: 19p13.13.
Variant type: Duplication.
Coding change: c.6627_6629dup on transcript NM_001127222.2 (MANE Select); coding-DNA positions 6627 to 6629, 3 bases duplicated (GCA; older notation c.6627_6629dupGCA).
Protein change: p.Gln2209_His2210insGln.
Molecular consequence: inframe indel (on NM_001127221.1).
Genome position (GRCh38, 1-based): chr19:13,208,907-13,208,909, TGC duplicated on the plus strand (GCA on the coding strand, the reverse complement: CACNA1A is on the minus strand); duplicating any 3 consecutive bases within chr19:13,208,907-13,208,911 gives the same sequence; the c. name uses the placement nearest the transcript's 3' end. VCF-style (leftmost placement, unchanged base first): chr19-13208906-G-GTGC. GRCh37 (hg19) VCF-style: chr19-13319720-G-GTGC.
Other names: c.6645_6647dup, p.Gln2215_His2216insGln (NM_000068.4, NM_023035.3); c.6630_6632dup, p.Gln2210_His2211insGln (NM_001127221.2); c.6636_6638dup, p.Gln2212_His2213insGln (NM_001174080.2); c.6630_6632dup (NM_001127221.1).
Identifiers: ClinVar variation 3340214 (VCV003340214.1).